The following is an entry in ClinVar:

ClinVar aggregate classification (germline): Benign. Review status: criteria provided, multiple submitters, no conflicts (2 of 4 stars). 3 submissions from 3 submitters: Benign (3). Last evaluated 2021-12-05.

Conditions:
Amyotrophic neuralgia (HNA). Also called: AMYOTROPHY, HEREDITARY NEURALGIC; Hereditary Brachial Plexus Neuropathy; Neuritis with Brachial Predilection; AMYOTROPHY, HEREDITARY NEURALGIC, WITH PREDILECTION FOR BRACHIAL PLEXUS. Identifiers: Orphanet 2901, MedGen C1834304, MONDO:0008076, OMIM 162100.

Allele frequency attached by ClinVar (database versions not stated): gnomAD 0.00872 and 0.00973; TOPMed 0.01017; ExAC 0.01031; gnomAD exomes 0.01100; 1000 Genomes Project 30x 0.02280; 1000 Genomes Project 0.02376.
gnomAD v4.1: 5,210 of 575,858 alleles (0.9%); highest among the groups gnomAD compares: East Asian, 9.6%; 161 homozygotes.

Submissions (3):

Genome-Nilou Lab
Classification: Benign for Amyotrophic neuralgia. Last evaluated: 2021-12-05. Review status: criteria provided, single submitter. Criteria: ACMG Guidelines, 2015. Collection method: clinical testing. Allele origin: germline. Affected: no.

GeneDx
Classification: Benign. Last evaluated: 2018-07-27. Review status: criteria provided, single submitter. Criteria: GeneDx Variant Classification Process June 2021. Collection method: clinical testing. Allele origin: germline. Affected: yes.

Illumina Laboratory Services, Illumina
Classification: Benign for Amyotrophy, hereditary neuralgic. Last evaluated: 2017-04-27. Review status: criteria provided, single submitter. Criteria: ICSL Variant Classification Criteria 13 December 2019. Collection method: clinical testing. Allele origin: germline.
Comment: This variant was observed as part of a predisposition screen in an ostensibly healthy population. A literature search was performed for the gene, cDNA change, and amino acid change (where applicable). No publications were found based on this search. Allele frequency data from public databases was too high to be consistent with this variant causing disease. Therefore, this variant is classified as benign.

NM_001113491.2(SEPTIN9):c.*260C>T

Gene: SEPTIN9 (septin 9; plus strand). Cytogenetic location: 17q25.3.
Variant type: single nucleotide variant.
Coding change: c.*260C>T on transcript NM_001113491.2 (MANE Select); 260 bases downstream of the stop codon, C replaced by T.
Molecular consequence: 3 prime UTR variant.
Genome position (GRCh38, 1-based): chr17:77,498,918, C>T. VCF-style: chr17-77498918-C-T. GRCh37 (hg19) VCF-style: chr17-75495000-C-T.
Other names: c.*260C>T (NM_001113492.2, NM_001113493.2, NM_001113494.1 and 7 more transcripts).
Identifiers: ClinVar variation 325583 (VCV000325583.9), dbSNP rs28364840, ClinGen allele CA8793969.
Genomic context (GRCh38, chr17:77,498,918, plus strand): 5'-TGGGGAGGCTGCACTGGAGCCACAGGCAGGGGTGAGAGCACCCACTGAATTGACATGACC[C>T]TCTGTCCCCAGGCCTGGCTCCCCGAGGGCTCAGAAGAGCAGCTTCGGTGTGCAGATCATC-3'